The following is an entry in ClinVar:

ClinVar aggregate classification (germline): Uncertain significance (1 of 4 stars; one submission).

Submission:

Labcorp Genetics (formerly Invitae), Labcorp
Classification: Uncertain significance. Last evaluated: 2022-11-22. Review status: criteria provided, single submitter. Criteria: Invitae Variant Classification Sherloc (09022015). Collection method: clinical testing. Allele origin: germline.
Comment: In summary, the available evidence is currently insufficient to determine the role of this variant in disease. Therefore, it has been classified as a Variant of Uncertain Significance. Algorithms developed to predict the effect of missense changes on protein structure and function are either unavailable or do not agree on the potential impact of this missense change (SIFT: "Not Available"; PolyPhen-2: "Benign"; Align-GVGD: "Not Available"). ClinVar contains an entry for this variant (Variation ID: 1057739). This variant has not been reported in the literature in individuals affected with ARHGEF18-related conditions. This variant is present in population databases (no rsID available, gnomAD 0.8%). This sequence change replaces arginine, which is basic and polar, with glutamine, which is neutral and polar, at codon 991 of the ARHGEF18 protein (p.Arg991Gln).

NM_001367823.1(ARHGEF18):c.3536_3537delinsAG (p.Arg1179Gln)

Gene: ARHGEF18 (Rho/Rac guanine nucleotide exchange factor 18; plus strand). Cytogenetic location: 19p13.2.
Variant type: Indel.
Coding change: c.3536_3537delinsAG on transcript NM_001367823.1 (MANE Select); coding-DNA positions 3536 to 3537, GT replaced by AG.
Protein change: p.Arg1179Gln; replaces arginine 1179 with glutamine.
Molecular consequence: missense variant.
Genome position (GRCh38, 1-based): chr19:7,468,880-7,468,881, GT replaced by AG. VCF-style: chr19-7468880-GT-AG. GRCh37 (hg19) VCF-style: chr19-7533766-GT-AG.
Other names: c.2498_2499delinsAG, p.Arg833Gln (NM_001367824.1, NM_015318.4); c.2810_2811delinsAG, p.Arg937Gln (NM_001130955.2); short protein forms R1179Q, R833Q, R937Q.
Identifiers: ClinVar variation 1057739 (VCV001057739.6), dbSNP rs2145918238, ClinGen allele CA2499225619.